The following is an entry in ClinVar:

NM_000277.3(PAH):c.458T>C (p.Val153Ala)

Gene: PAH (phenylalanine hydroxylase; minus strand). Cytogenetic location: 12q23.2.
Variant type: single nucleotide variant.
Coding change: c.458T>C on transcript NM_000277.3 (MANE Select); coding-DNA position 458, T replaced by C.
Protein change: p.Val153Ala; replaces valine 153 with alanine.
Molecular consequence: missense variant.
Genome position (GRCh38, 1-based): chr12:102,866,647, A>G on the plus strand (T>C on the coding strand, the complement: PAH is on the minus strand). VCF-style: chr12-102866647-A-G. GRCh37 (hg19) VCF-style: chr12-103260425-A-G.
Other names: c.458T>C, p.Val153Ala (NM_001354304.2); short protein forms V153A.
Identifiers: ClinVar variation 1909281 (VCV001909281.2), dbSNP rs2499637013, ClinGen allele CA386299650.

ClinVar aggregate classification (germline): Uncertain significance (1 of 4 stars; one submission).

Conditions:
Phenylketonuria (PKU). Also called: Phenylketonurias; OLIGOPHRENIA PHENYLPYRUVICA; FOLLING DISEASE; Phenylketonuria (PKU). Identifiers: Orphanet 716, MedGen C0031485, MONDO:0009861, OMIM 261600. Disease mechanism: loss of function.

Submission:

Labcorp Genetics (formerly Invitae), Labcorp
Classification: Uncertain significance for Phenylketonuria. Last evaluated: 2021-09-24. Review status: criteria provided, single submitter. Criteria: Invitae Variant Classification Sherloc (09022015). Collection method: clinical testing. Allele origin: germline.
Comment: This sequence change replaces valine with alanine at codon 153 of the PAH protein (p.Val153Ala). The valine residue is highly conserved and there is a small physicochemical difference between valine and alanine. This variant is not present in population databases (ExAC no frequency). This variant has not been reported in the literature in individuals with PAH-related conditions. Advanced modeling of protein sequence and biophysical properties (such as structural, functional, and spatial information, amino acid conservation, physicochemical variation, residue mobility, and thermodynamic stability) performed at Invitae indicates that this missense variant is expected to disrupt PAH protein function. In summary, the available evidence is currently insufficient to determine the role of this variant in disease. Therefore, it has been classified as a Variant of Uncertain Significance.